The following is an entry in ClinVar:

NM_000548.5(TSC2):c.3507C>G (p.Ala1169=)

Gene: TSC2 (TSC complex subunit 2; plus strand). Cytogenetic location: 16p13.3.
Variant type: single nucleotide variant.
Coding change: c.3507C>G on transcript NM_000548.5 (MANE Select); coding-DNA position 3507, C replaced by G.
Protein change: p.Ala1169=; no amino-acid change (alanine 1169 retained).
Molecular consequence: synonymous variant. On other transcripts: non-coding transcript variant (5).
Genome position (GRCh38, 1-based): chr16:2,080,274, C>G. VCF-style: chr16-2080274-C-G. GRCh37 (hg19) VCF-style: chr16-2130275-C-G.
Other names: c.3375C>G, p.Ala1125= (NM_001370404.1, NM_001406665.1, NM_001077183.3); c.3378C>G, p.Ala1126= (NM_001370405.1, NM_021055.3, NM_001363528.2); c.3504C>G, p.Ala1168= (NM_001406663.1, NM_001406664.1); c.3468C>G, p.Ala1156= (NM_001406667.1); c.3465C>G, p.Ala1155= (NM_001406668.1); c.3396C>G, p.Ala1132= (NM_001406670.1); c.3366C>G, p.Ala1122= (NM_001406671.1); c.3363C>G, p.Ala1121= (NM_001406673.1); and 18 more.
Identifiers: ClinVar variation 3664419 (VCV003664419.4).

ClinVar aggregate classification (germline): Benign/Likely benign. Review status: criteria provided, multiple submitters, no conflicts (2 of 4 stars). 3 submissions from 3 submitters: Benign (1); Likely benign (2). Last evaluated 2025-05-29.

Conditions:
Hereditary cancer-predisposing syndrome. Also called: Neoplastic Syndromes, Hereditary; Hereditary neoplastic syndrome; Tumor predisposition; Hereditary Cancer Syndrome. Identifiers: Orphanet 140162, MedGen C0027672, MeSH D009386, MONDO:0015356.
Tuberous sclerosis 2 (TSC2). Identifiers: Orphanet 805, MedGen C1860707, MONDO:0013199, OMIM 613254.

gnomAD v4.1: 4 of 1,612,978 alleles (0.00025%); highest among the groups gnomAD compares: Non-Finnish European, 0.00034%; no homozygotes.

Submissions (3):

Myriad Genetics, Inc.
Classification: Benign for Tuberous sclerosis 2. Last evaluated: 2025-05-29. Review status: criteria provided, single submitter. Criteria: Myriad Autosomal Dominant, Autosomal Recessive and X-Linked Classification Criteria (2023). Collection method: clinical testing. Allele origin: unknown.
Comment: This variant is considered benign. This variant is a silent/synonymous amino acid change and it is not expected to impact splicing.

Ambry Genetics
Classification: Likely benign for Hereditary cancer-predisposing syndrome. Last evaluated: 2025-05-17. Review status: criteria provided, single submitter. Criteria: Ambry Variant Classification Scheme 2023. Collection method: clinical testing. Allele origin: germline.

Labcorp Genetics (formerly Invitae), Labcorp
Classification: Likely benign for Tuberous sclerosis 2. Last evaluated: 2024-09-03. Review status: criteria provided, single submitter. Criteria: Invitae Variant Classification Sherloc (09022015). Collection method: clinical testing. Allele origin: germline.